The following is an entry in ClinVar:

ClinVar aggregate classification (germline): Pathogenic (1 of 4 stars; one submission).

Submission:

Labcorp Genetics (formerly Invitae), Labcorp
Classification: Pathogenic. Last evaluated: 2022-07-07. Review status: criteria provided, single submitter. Criteria: Invitae Variant Classification Sherloc (09022015). Collection method: clinical testing. Allele origin: germline.
Comment: This sequence change creates a premature translational stop signal (p.Ala1540Leufs*4) in the PIK3C2A gene. It is expected to result in an absent or disrupted protein product. Loss-of-function variants in PIK3C2A are known to be pathogenic (PMID: 31034465). This variant is not present in population databases (gnomAD no frequency). This variant has not been reported in the literature in individuals affected with PIK3C2A-related conditions. For these reasons, this variant has been classified as Pathogenic.

Literature cited by the submitters: PubMed 31034465.

NM_002645.4(PIK3C2A):c.4618del (p.Ala1540fs)

Gene: PIK3C2A (phosphatidylinositol-4-phosphate 3-kinase catalytic subunit type 2 alpha; minus strand). Cytogenetic location: 11p15.1.
Variant type: Deletion.
Coding change: c.4618del on transcript NM_002645.4 (MANE Select); coding-DNA position 4618, one base deleted (G; older notation c.4618delG).
Protein change: p.Ala1540fs; shifts the reading frame from alanine 1540.
Molecular consequence: frameshift variant.
Genome position (GRCh38, 1-based): chr11:17,092,020, C deleted on the plus strand (G on the coding strand, the reverse complement: PIK3C2A is on the minus strand). VCF-style (leftmost placement, unchanged base first): chr11-17092019-GC-G. GRCh37 (hg19) VCF-style: chr11-17113566-GC-G.
Other names: c.4618del, p.Ala1540fs (NM_001321378.2); c.3478del, p.Ala1160fs (NM_001321380.2); c.4450del, p.Ala1484fs (NM_001386870.1); short protein forms A1160fs, A1484fs, A1540fs.
Identifiers: ClinVar variation 2014848 (VCV002014848.4), dbSNP rs2494121508, ClinGen allele CA2580082731.
Genomic context (GRCh38, chr11:17,092,019, plus strand): 5'-CATGAGTTACCAATAAAGAGAAAAAAAATAATCTCACCTGCAGACCTAGCTATCCCTTCA[GC>G]TTTCTCATCACGAAGTAAAGGGTGGAAGAAAGTACAAACAAGATCACACTAAGAATAAAG-3'